The following is an entry in ClinVar:

NM_001165963.4(SCN1A):c.5881A>G (p.Ile1961Val)

Genes: SCN1A (sodium voltage-gated channel alpha subunit 1; minus strand), LOC102724058 (uncharacterized LOC102724058; plus strand). Cytogenetic location: 2q24.3.
Variant type: single nucleotide variant.
Coding change: c.5881A>G on transcript NM_001165963.4 (MANE Select); coding-DNA position 5881, A replaced by G.
Protein change: p.Ile1961Val; replaces isoleucine 1961 with valine.
Molecular consequence: missense variant. On other transcripts: non-coding transcript variant (1).
Genome position (GRCh38, 1-based): chr2:165,991,394, T>C on the plus strand (A>G on the coding strand, the complement: SCN1A is on the minus strand). VCF-style: chr2-165991394-T-C. GRCh37 (hg19) VCF-style: chr2-166847904-T-C.
Other names: c.5881A>G (NM_001165963.1); c.5797A>G, p.Ile1933Val (NM_001165964.3, NM_001353957.2, NM_001353958.2); c.5881A>G, p.Ile1961Val (NM_001202435.3, NM_001353948.2); c.5848A>G, p.Ile1950Val (NM_001353949.2, NM_001353950.2, NM_001353951.2 and 2 more transcripts); c.5845A>G, p.Ile1949Val (NM_001353954.2, NM_001353955.2); c.5794A>G, p.Ile1932Val (NM_001353960.2); c.3439A>G, p.Ile1147Val (NM_001353961.2); short protein forms I1933V, I1961V, I1147V, I1932V, I1950V, I1949V.
Identifiers: ClinVar variation 2068449 (VCV002068449.5), dbSNP rs2468324426, ClinGen allele CA349063359.

ClinVar aggregate classification (germline): Uncertain significance. Review status: criteria provided, multiple submitters, no conflicts (2 of 4 stars). 2 submissions from 2 submitters: Uncertain significance (2). Last evaluated 2022-12-22.

Conditions:
Early-infantile DEE. Also called: Early infantile epileptic encephalopathy; Ohtahara syndrome; Early infantile epileptic encephalopathy with suppression bursts. Identifiers: Orphanet 1934, MedGen C0393706, MONDO:0800491.

gnomAD v4.1: 1 of 1,613,766 alleles (0.000062%); highest among the groups gnomAD compares: Non-Finnish European, 0.000085%; no homozygotes.

Submissions (2):

GeneDx
Classification: Uncertain significance. Last evaluated: 2022-12-22. Review status: criteria provided, single submitter. Criteria: GeneDx Variant Classification Process June 2021. Collection method: clinical testing. Allele origin: germline. Affected: yes.
Comment: This substitution is predicted to be within the C-terminal cytoplasmic domain.; Not observed at significant frequency in large population cohorts (gnomAD); Missense variants in this gene are often considered pathogenic (HGMD); In silico analysis supports that this missense variant does not alter protein structure/function; Has not been previously published as pathogenic or benign to our knowledge

Labcorp Genetics (formerly Invitae), Labcorp
Classification: Uncertain significance for Early-infantile DEE. Last evaluated: 2022-01-01. Review status: criteria provided, single submitter. Criteria: Invitae Variant Classification Sherloc (09022015). Collection method: clinical testing. Allele origin: germline.
Comment: This variant has not been reported in the literature in individuals affected with SCN1A-related conditions. In summary, the available evidence is currently insufficient to determine the role of this variant in disease. Therefore, it has been classified as a Variant of Uncertain Significance. Advanced modeling of protein sequence and biophysical properties (such as structural, functional, and spatial information, amino acid conservation, physicochemical variation, residue mobility, and thermodynamic stability) performed at Invitae indicates that this missense variant is not expected to disrupt SCN1A protein function. This variant is not present in population databases (gnomAD no frequency). This sequence change replaces isoleucine, which is neutral and non-polar, with valine, which is neutral and non-polar, at codon 1961 of the SCN1A protein (p.Ile1961Val).